The following is an entry in ClinVar:

ClinVar aggregate classification (germline): Pathogenic (1 of 4 stars; one submission).

Submission:

GeneDx
Classification: Pathogenic. Last evaluated: 2025-06-05. Review status: criteria provided, single submitter. Criteria: GeneDx Variant Classification Process June 2021. Collection method: clinical testing. Allele origin: germline. Affected: yes.
Comment: Frameshift variant predicted to result in protein truncation or nonsense mediated decay in a gene for which loss of function is a known mechanism of disease; Not observed at significant frequency in large population cohorts (gnomAD); This variant is associated with the following publications: (PMID: 30985895)

NM_001127392.3(MYRF):c.278del (p.Pro93fs)

Gene: MYRF (myelin regulatory factor; plus strand). Cytogenetic location: 11q12.2.
Variant type: Deletion.
Coding change: c.278del on transcript NM_001127392.3 (MANE Select); coding-DNA position 278, one base deleted (C; older notation c.278delC).
Protein change: p.Pro93fs; shifts the reading frame from proline 93.
Molecular consequence: frameshift variant.
Genome position (GRCh38, 1-based): chr11:61,766,101, C deleted; the last of 5 consecutive C bases (chr11:61,766,097-61,766,101); deleting any one gives the same sequence. VCF-style (leftmost placement, unchanged base first): chr11-61766096-AC-A. GRCh37 (hg19) VCF-style: chr11-61533568-AC-A.
Other names: c.251del, p.Pro84fs (NM_013279.4); short protein forms P84fs, P93fs.
Identifiers: ClinVar variation 4536237 (VCV004536237.1).